The following is an entry in ClinVar:

NM_032153.6(ZIC4):c.794C>T (p.Thr265Met)

Gene: ZIC4 (Zic family zinc finger 4; minus strand). Cytogenetic location: 3q24.
Variant type: single nucleotide variant.
Coding change: c.794C>T on transcript NM_032153.6 (MANE Select); coding-DNA position 794, C replaced by T.
Protein change: p.Thr265Met; replaces threonine 265 with methionine.
Molecular consequence: missense variant. On other transcripts: non-coding transcript variant (3).
Genome position (GRCh38, 1-based): chr3:147,391,141, G>A on the plus strand (C>T on the coding strand, the complement: ZIC4 is on the minus strand). VCF-style: chr3-147391141-G-A. GRCh37 (hg19) VCF-style: chr3-147108928-G-A.
Other names: c.944C>T, p.Thr315Met (NM_001168378.1); c.908C>T, p.Thr303Met (NM_001168379.2); c.176C>T, p.Thr59Met (NM_001243256.2); short protein forms T303M, T315M, T265M, T59M.
Identifiers: ClinVar variation 2049047 (VCV002049047.5), dbSNP rs563376019, ClinGen allele CA2656713.

ClinVar aggregate classification (germline): Uncertain significance. Review status: criteria provided, multiple submitters, no conflicts (2 of 4 stars). 2 submissions from 2 submitters: Uncertain significance (2). Last evaluated 2024-02-28.

Allele frequency attached by ClinVar (database versions not stated): gnomAD 0.00001; 1000 Genomes Project 30x 0.00016; 1000 Genomes Project 0.00020.
gnomAD v4.1: 20 of 1,613,846 alleles (0.0012%); highest among the groups gnomAD compares: South Asian, 0.02%; 1 homozygote.

Submissions (2):

Ambry Genetics
Classification: Uncertain significance. Last evaluated: 2024-02-28. Review status: criteria provided, single submitter. Criteria: Ambry Variant Classification Scheme 2023. Collection method: clinical testing. Allele origin: germline.

Labcorp Genetics (formerly Invitae), Labcorp
Classification: Uncertain significance. Last evaluated: 2022-12-09. Review status: criteria provided, single submitter. Criteria: Invitae Variant Classification Sherloc (09022015). Collection method: clinical testing. Allele origin: germline.
Comment: In summary, the available evidence is currently insufficient to determine the role of this variant in disease. Therefore, it has been classified as a Variant of Uncertain Significance. Algorithms developed to predict the effect of missense changes on protein structure and function are either unavailable or do not agree on the potential impact of this missense change (SIFT: "Tolerated"; PolyPhen-2: "Probably Damaging"; Align-GVGD: "Class C0"). This variant has not been reported in the literature in individuals affected with ZIC4-related conditions. This variant is present in population databases (rs563376019, gnomAD 0.03%). This sequence change replaces threonine, which is neutral and polar, with methionine, which is neutral and non-polar, at codon 315 of the ZIC4 protein (p.Thr315Met).